The following is an entry in ClinVar:

ClinVar aggregate classification (germline): Pathogenic/Likely pathogenic. Review status: criteria provided, multiple submitters, no conflicts (2 of 4 stars). 3 submissions from 3 submitters: Pathogenic (2); Likely pathogenic (1). Last evaluated 2025-04-23.

Conditions:
Congenital myasthenic syndrome 12 (CMS12). Also called: MYASTHENIC SYNDROME, CONGENITAL, WITH TUBULAR AGGREGATES 1; Myasthenia, congenital, 12, with tubular aggregates. Identifiers: Orphanet 353327, Orphanet 590, MedGen C3552335, MONDO:0012518, OMIM 610542.

gnomAD v4.1: 4 of 1,612,890 alleles (0.00025%); highest among the groups gnomAD compares: Non-Finnish European, 0.00034%; no homozygotes.

Submissions (3):

Dasa
Classification: Likely pathogenic. Last evaluated: 2025-04-23. Review status: criteria provided, single submitter. Criteria: DASA Assertion Criteria. Collection method: clinical testing. Allele origin: germline.
Comment: NM_001244710.2(GFPT1):c.1687C>T (p.Arg563*) is a nonsense variant in GFPT1 predicted to introduce a premature termination codon and is predicted to result in an absent or altered protein product. Loss of function is an established disease mechanism for GFPT1-associated disorders. Also, this variant is rare in population databases. Based on the currently available evidence, this variant is classified as likely pathogenic.

Labcorp Genetics (formerly Invitae), Labcorp
Classification: Pathogenic for Congenital myasthenic syndrome 12. Last evaluated: 2022-06-04. Review status: criteria provided, single submitter. Criteria: Invitae Variant Classification Sherloc (09022015). Collection method: clinical testing. Allele origin: germline.
Comment: This sequence change creates a premature translational stop signal (p.Arg563*) in the GFPT1 gene. It is expected to result in an absent or disrupted protein product. Loss-of-function variants in GFPT1 are known to be pathogenic (PMID: 23794683). This variant is present in population databases (rs757328377, gnomAD 0.004%). This variant has not been reported in the literature in individuals affected with GFPT1-related conditions. For these reasons, this variant has been classified as Pathogenic.

Kariminejad - Najmabadi Pathology & Genetics Center
Classification: Pathogenic for Congenital myasthenic syndrome 12. Review status: criteria provided, single submitter. Criteria: ACMG Guidelines, 2015. Collection method: clinical testing. Allele origin: germline. Affected: no.

Literature cited by the submitters: PubMed 23794683 (cited by Labcorp Genetics (formerly Invitae), Labcorp).

NM_001244710.2(GFPT1):c.1687C>T (p.Arg563Ter)

Gene: GFPT1 (glutamine--fructose-6-phosphate transaminase 1; minus strand). Cytogenetic location: 2p13.3.
Variant type: single nucleotide variant.
Coding change: c.1687C>T on transcript NM_001244710.2 (MANE Select); coding-DNA position 1687, C replaced by T.
Protein change: p.Arg563Ter; replaces arginine 563 with a stop codon.
Molecular consequence: nonsense.
Genome position (GRCh38, 1-based): chr2:69,329,335, G>A on the plus strand (C>T on the coding strand, the complement: GFPT1 is on the minus strand). VCF-style: chr2-69329335-G-A. GRCh37 (hg19) VCF-style: chr2-69556467-G-A.
Other names: c.1633C>T, p.Arg545Ter (NM_002056.4); short protein forms R545*, R563*.
Identifiers: ClinVar variation 2002398 (VCV002002398.7), dbSNP rs757328377, ClinGen allele CA1693588.
Genomic context (GRCh38, chr2:69,329,335, plus strand): 5'-AATTAGAACTGAGAAAACTTACCAGTGCCCCTTCAAGACAAGTAGCATAATGATAGCCTC[G>A]TCCCATTATCAGAACTGACTTCTGATGATAAAGTTCTGTTGCTAGTTTCTGAATTTCGTC-3'